The following is an entry in ClinVar:

ClinVar aggregate classification (germline): Uncertain significance (1 of 4 stars; one submission).

Submission:

Labcorp Genetics (formerly Invitae), Labcorp
Classification: Uncertain significance. Last evaluated: 2022-01-17. Review status: criteria provided, single submitter. Criteria: Invitae Variant Classification Sherloc (09022015). Collection method: clinical testing. Allele origin: germline.
Comment: In summary, the available evidence is currently insufficient to determine the role of this variant in disease. Therefore, it has been classified as a Variant of Uncertain Significance. This variant has not been reported in the literature in individuals affected with MBTPS2-related conditions. The frequency data for this variant in the population databases is considered unreliable, as metrics indicate poor data quality at this position in the gnomAD database. This variant, c.366_383dup, results in the insertion of 6 amino acid(s) of the MBTPS2 protein (p.Ser131_Ser136dup), but otherwise preserves the integrity of the reading frame.

NM_015884.4(MBTPS2):c.348CTCTTCTTCCTCTTCCTC[3] (p.Ser136_Leu137insSerSerSerSerSerSer)

Gene: MBTPS2 (membrane bound transcription factor peptidase, site 2; plus strand). Cytogenetic location: Xp22.12.
Variant type: Microsatellite.
Coding change: c.348CTCTTCTTCCTCTTCCTC[3] on transcript NM_015884.4 (MANE Select); three copies in a row of the 18-base unit CTCTTCTTCCTCTTCCTC starting at c.348; the reference has two copies in a row; one copy, 18 bases duplicated.
Protein change: p.Ser136_Leu137insSerSerSerSerSerSer.
Molecular consequence: inframe insertion.
Genome position (GRCh38, 1-based): chrX:21,845,312-21,845,329, CTCTTCTTCCTCTTCCTC duplicated; duplicating any 18 consecutive bases within chrX:21,845,286-21,845,329 gives the same sequence; the position shown is the placement nearest the transcript's 3' end. VCF-style (leftmost placement, unchanged base first): chrX-21845285-T-TTCTTCCTCCTCTTCTTCC. GRCh37 (hg19) VCF-style: chrX-21863403-T-TTCTTCCTCCTCTTCTTCC.
Identifiers: ClinVar variation 2060666 (VCV002060666.4), dbSNP rs762761040, ClinGen allele CA10367333.